The following is an entry in ClinVar:

ClinVar aggregate classification (germline): Uncertain significance. Review status: criteria provided, multiple submitters, no conflicts (2 of 4 stars). 4 submissions from 4 submitters: Uncertain significance (4). Last evaluated 2026-04-14.

Conditions:
Inborn genetic diseases. Identifiers: MedGen C0950123, MeSH D030342.
RYR1-related disorder. Also called: RYR1-related disorders; RYR1-related condition. Identifiers: MedGen CN239331.
Malignant hyperthermia, susceptibility to, 1 (MHS1). Also called: RYR1-Related Malignant Hyperthermia Susceptibility; Malignant hyperthermia suceptibility 1; Anesthesia related hyperthermia; Malignant hyperpyrexia; Fulminating hyperpyrexia; Pharmacogenic myopathy. Identifiers: Orphanet 423, MedGen C2930980, MONDO:0007783, OMIM 145600.

Allele frequency attached by ClinVar (database versions not stated): gnomAD 0.00001; TOPMed 0.00001; ExAC 0.00002; gnomAD exomes 0.00002 and 0.00006; ESP Exome Variant Server 0.00008.
gnomAD v4.1: 80 of 1,610,580 alleles (0.005%); highest among the groups gnomAD compares: Non-Finnish European, 0.0064%; no homozygotes.

Submissions (4):

PreventionGenetics, part of Exact Sciences
Classification: Uncertain significance for RYR1-related condition. Last evaluated: 2026-04-14. Review status: criteria provided, single submitter. Criteria: ACMG Guidelines, 2015. Collection method: clinical testing. Allele origin: germline.
Comment: The RYR1 c.4390G>A variant is predicted to result in the amino acid substitution p.Asp1464Asn. To our knowledge, this variant has not been reported in the literature. This variant is reported in 0.0035% of alleles in individuals of European (Non-Finnish) descent in gnomAD. At this time, the clinical significance of this variant is uncertain due to the absence of conclusive functional and genetic evidence.

Color Diagnostics, LLC DBA Color Health
Classification: Uncertain significance for Malignant hyperthermia, susceptibility to, 1. Last evaluated: 2025-06-30. Review status: criteria provided, single submitter. Criteria: ACMG Guidelines, 2015. Collection method: clinical testing. Allele origin: germline.
Comment: This missense variant replaces aspartic acid with asparagine at codon 1464 of the RYR1 protein. Computational prediction is inconclusive regarding the impact of this variant on protein structure and function. To our knowledge, functional studies have not been reported for this variant. This variant has not been reported in individuals affected with RYR1-related disorders in the literature. This variant has been identified in 4/251280 chromosomes in the general population by the Genome Aggregation Database (gnomAD). The available evidence is insufficient to determine the role of this variant in disease conclusively. Therefore, this variant is classified as a Variant of Uncertain Significance.

Labcorp Genetics (formerly Invitae), Labcorp
Classification: Uncertain significance for RYR1-related disorder. Last evaluated: 2025-04-09. Review status: criteria provided, single submitter. Criteria: Invitae Variant Classification Sherloc (09022015). Collection method: clinical testing. Allele origin: germline.
Comment: This sequence change replaces aspartic acid, which is acidic and polar, with asparagine, which is neutral and polar, at codon 1464 of the RYR1 protein (p.Asp1464Asn). This variant is present in population databases (rs368396727, gnomAD 0.004%). This variant has not been reported in the literature in individuals affected with RYR1-related conditions. ClinVar contains an entry for this variant (Variation ID: 658283). Invitae Evidence Modeling of protein sequence and biophysical properties (such as structural, functional, and spatial information, amino acid conservation, physicochemical variation, residue mobility, and thermodynamic stability) indicates that this missense variant is not expected to disrupt RYR1 protein function with a negative predictive value of 80%. In summary, the available evidence is currently insufficient to determine the role of this variant in disease. Therefore, it has been classified as a Variant of Uncertain Significance.

Ambry Genetics
Classification: Uncertain significance for Inborn genetic diseases. Last evaluated: 2021-07-16. Review status: criteria provided, single submitter. Criteria: Ambry Variant Classification Scheme 2023. Collection method: clinical testing. Allele origin: germline.

NM_000540.3(RYR1):c.4390G>A (p.Asp1464Asn)

Gene: RYR1 (ryanodine receptor 1; plus strand). Cytogenetic location: 19q13.2.
Variant type: single nucleotide variant.
Coding change: c.4390G>A on transcript NM_000540.3 (MANE Select); coding-DNA position 4390, G replaced by A.
Protein change: p.Asp1464Asn; replaces aspartic acid 1464 with asparagine.
Molecular consequence: missense variant.
Genome position (GRCh38, 1-based): chr19:38,477,806, G>A. VCF-style: chr19-38477806-G-A. GRCh37 (hg19) VCF-style: chr19-38968446-G-A.
Other names: c.4390G>A, p.Asp1464Asn (NM_001042723.2); short protein forms D1464N.
Identifiers: ClinVar variation 658283 (VCV000658283.10), dbSNP rs368396727, ClinGen allele CA066018.